The following is an entry in ClinVar:

ClinVar aggregate classification (germline): Uncertain significance (1 of 4 stars; one submission).

Submission:

Labcorp Genetics (formerly Invitae), Labcorp
Classification: Uncertain significance. Last evaluated: 2021-10-15. Review status: criteria provided, single submitter. Criteria: Invitae Variant Classification Sherloc (09022015). Collection method: clinical testing. Allele origin: germline.
Comment: This variant has not been reported in the literature in individuals affected with EPS8L2-related conditions. In summary, the available evidence is currently insufficient to determine the role of this variant in disease. Therefore, it has been classified as a Variant of Uncertain Significance. Experimental studies and prediction algorithms are not available or were not evaluated, and the functional significance of this variant is currently unknown. The frequency data for this variant in the population databases is considered unreliable, as metrics indicate insufficient coverage at this position in the ExAC database. This variant, c.1616_1654del, results in the deletion of 13 amino acid(s) of the EPS8L2 protein (p.Gly539_Pro551del), but otherwise preserves the integrity of the reading frame.

NM_022772.4(EPS8L2):c.1616_1654del (p.Gly539_Pro551del)

Genes: EPS8L2 (EPS8 signaling adaptor L2; plus strand), LOC130005080 (ATAC-STARR-seq lymphoblastoid silent region 3020; plus strand). Cytogenetic location: 11p15.5.
Variant type: Deletion.
Coding change: c.1616_1654del on transcript NM_022772.4 (MANE Select); coding-DNA positions 1616 to 1654, 39 bases deleted.
Protein change: p.Gly539_Pro551del.
Molecular consequence: inframe deletion.
Genome position (GRCh38, 1-based): chr11:725,783-725,821, 39 bases deleted; deleting any 39 consecutive bases within chr11:725,780-725,821 gives the same sequence; the c. name uses the placement nearest the transcript's 3' end. GRCh37 (hg19): chr11:725,783-725,821.
Identifiers: ClinVar variation 1488829 (VCV001488829.5), dbSNP rs1862297471, ClinGen allele CA1947279541.